The following is an entry in ClinVar:

ClinVar aggregate classification (germline): Uncertain significance (1 of 4 stars; one submission).

Conditions:
Dystonic disorder. Also called: Dystonia. Identifiers: MedGen C0013421, MONDO:0003441, HP:0001332.

Allele frequency attached by ClinVar (database versions not stated): gnomAD exomes 0.00001; TOPMed 0.00001.
gnomAD v4.1: 3 of 1,604,246 alleles (0.00019%); highest among the groups gnomAD compares: East Asian, 0.0023%; no homozygotes.

Submission:

Labcorp Genetics (formerly Invitae), Labcorp
Classification: Uncertain significance for Dystonic disorder. Last evaluated: 2024-05-29. Review status: criteria provided, single submitter. Criteria: Invitae Variant Classification Sherloc (09022015). Collection method: clinical testing. Allele origin: germline.
Comment: This sequence change replaces arginine, which is basic and polar, with leucine, which is neutral and non-polar, at codon 54 of the TOR1A protein (p.Arg54Leu). The frequency data for this variant in the population databases is considered unreliable, as metrics indicate poor data quality at this position in the gnomAD database. This variant has not been reported in the literature in individuals affected with TOR1A-related conditions. ClinVar contains an entry for this variant (Variation ID: 2053510). Advanced modeling of protein sequence and biophysical properties (such as structural, functional, and spatial information, amino acid conservation, physicochemical variation, residue mobility, and thermodynamic stability) performed at Invitae indicates that this missense variant is not expected to disrupt TOR1A protein function with a negative predictive value of 80%. In summary, the available evidence is currently insufficient to determine the role of this variant in disease. Therefore, it has been classified as a Variant of Uncertain Significance.

NM_000113.3(TOR1A):c.161G>T (p.Arg54Leu)

Gene: TOR1A (torsin family 1 member A; minus strand). Cytogenetic location: 9q34.11.
Variant type: single nucleotide variant.
Coding change: c.161G>T on transcript NM_000113.3 (MANE Select); coding-DNA position 161, G replaced by T.
Protein change: p.Arg54Leu; replaces arginine 54 with leucine.
Molecular consequence: missense variant.
Genome position (GRCh38, 1-based): chr9:129,823,925, C>A on the plus strand (G>T on the coding strand, the complement: TOR1A is on the minus strand). VCF-style: chr9-129823925-C-A. GRCh37 (hg19) VCF-style: chr9-132586204-C-A.
Other names: short protein forms R54L.
Identifiers: ClinVar variation 2053510 (VCV002053510.4), dbSNP rs947320138, ClinGen allele CA200496504.